The following is an entry in ClinVar:

ClinVar aggregate classification (germline): Uncertain significance. Review status: criteria provided, multiple submitters, no conflicts (2 of 4 stars). 2 submissions from 2 submitters: Uncertain significance (2). Last evaluated 2025-12-10.

Conditions:
Ataxia-telangiectasia syndrome (AT). Also called: Ataxia-telangiectasia, complementation group D; AT, COMPLEMENTATION GROUP C; ATAXIA-TELANGIECTASIA, COMPLEMENTATION GROUP A; ATAXIA-TELANGIECTASIA, FRESNO VARIANT; Ataxia-telangiectasia; Ataxia-telangiectasia, complementation group E. Identifiers: Orphanet 100, MedGen C0004135, MONDO:0008840, OMIM 208900.
Hereditary cancer-predisposing syndrome. Also called: Neoplastic Syndromes, Hereditary; Tumor predisposition; Hereditary Cancer Syndrome; Hereditary neoplastic syndrome. Identifiers: Orphanet 140162, MedGen C0027672, MeSH D009386, MONDO:0015356.

Submissions (2):

Ambry Genetics
Classification: Uncertain significance for Hereditary cancer-predisposing syndrome. Last evaluated: 2025-12-10. Review status: criteria provided, single submitter. Criteria: Ambry Variant Classification Scheme 2023. Collection method: clinical testing. Allele origin: germline.
Comment: The c.8011-3T>C intronic variant results from a T to C substitution 3 nucleotides upstream from coding exon 54 in the ATM gene. This nucleotide position is not well conserved in available vertebrate species. In silico splice site analysis predicts that this alteration will not have any significant effect on splicing. Based on the available evidence, the clinical significance of this variant remains unclear.

Labcorp Genetics (formerly Invitae), Labcorp
Classification: Uncertain significance for Ataxia-telangiectasia syndrome. Last evaluated: 2024-03-13. Review status: criteria provided, single submitter. Criteria: Invitae Variant Classification Sherloc (09022015). Collection method: clinical testing. Allele origin: germline.
Comment: This sequence change falls in intron 54 of the ATM gene. It does not directly change the encoded amino acid sequence of the ATM protein. It affects a nucleotide within the consensus splice site. This variant is not present in population databases (gnomAD no frequency). This variant has not been reported in the literature in individuals affected with ATM-related conditions. Variants that disrupt the consensus splice site are a relatively common cause of aberrant splicing (PMID: 17576681, 9536098). Algorithms developed to predict the effect of sequence changes on RNA splicing suggest that this variant is not likely to affect RNA splicing. In summary, the available evidence is currently insufficient to determine the role of this variant in disease. Therefore, it has been classified as a Variant of Uncertain Significance.

Literature cited by the submitters: PubMed 17576681 (cited by Labcorp Genetics (formerly Invitae), Labcorp); PubMed 9536098 (cited by Labcorp Genetics (formerly Invitae), Labcorp).

NM_000051.4(ATM):c.8011-3T>C

Genes: ATM (ATM serine/threonine kinase; plus strand), C11orf65 (chromosome 11 open reading frame 65; minus strand). Cytogenetic location: 11q22.3.
Variant type: single nucleotide variant.
Coding change: c.8011-3T>C on transcript NM_000051.4 (MANE Select); 3 bases into the intron before coding-DNA position 8011, T replaced by C.
Molecular consequence: intron variant.
Genome position (GRCh38, 1-based): chr11:108,334,966, T>C. VCF-style: chr11-108334966-T-C. GRCh37 (hg19) VCF-style: chr11-108205693-T-C.
Other names: c.8011-3T>C (NM_001351834.2); c.641-25895A>G (NM_001330368.2); c.*38+254A>G (NM_001351110.2).
Identifiers: ClinVar variation 3692168 (VCV003692168.2).